The following is an entry in ClinVar:

NM_020911.2(PLXNA4):c.2664C>T (p.Arg888=)

Gene: PLXNA4 (plexin A4; minus strand). Cytogenetic location: 7q32.3.
Variant type: single nucleotide variant.
Coding change: c.2664C>T on transcript NM_020911.2 (MANE Select); coding-DNA position 2664, C replaced by T.
Protein change: p.Arg888=; no amino-acid change (arginine 888 retained).
Molecular consequence: synonymous variant.
Genome position (GRCh38, 1-based): chr7:132,198,559, G>A on the plus strand (C>T on the coding strand, the complement: PLXNA4 is on the minus strand). VCF-style: chr7-132198559-G-A. GRCh37 (hg19) VCF-style: chr7-131883318-G-A.
Other names: c.2664C>T, p.Arg888= (NM_001393897.1).
Identifiers: ClinVar variation 3351292 (VCV003351292.1).
Genomic context (GRCh38, chr7:132,198,559, plus strand): 5'-GTAACCATCCACTAAAGGGCTGCACTCCACGCCAGCAACCTTGACATGGGAGGCGATGTC[G>A]CGAAATTCCAGGCCCAGGTTCTCCCCTCGGATAGTGACCTTGGTGCCCCCTTCCCGGGGG-3'
Protein context (NP_065962.1, residues 878-898): IRGENLGLEF[Arg888=]DIASHVKVAG

ClinVar aggregate classification (germline): Likely benign (0 of 4 stars; one submission).

Conditions:
PLXNA4-related disorder. Also called: PLXNA4-related condition.

gnomAD v4.1: 43 of 1,614,110 alleles (0.0027%); highest among the groups gnomAD compares: Middle Eastern, 0.033%; no homozygotes.

Submission:

PreventionGenetics, part of Exact Sciences
Classification: Likely benign for PLXNA4-related condition. Last evaluated: 2022-05-03. Review status: no assertion criteria provided. Collection method: clinical testing. Allele origin: germline.
Comment: This variant is classified as likely benign based on ACMG/AMP sequence variant interpretation guidelines (Richards et al. 2015 PMID: 25741868, with internal and published modifications).